The following is an entry in ClinVar:

ClinVar aggregate classification (germline): Conflicting classifications of pathogenicity. Review status: criteria provided, conflicting classifications (1 of 4 stars). 3 submissions from 3 submitters: Uncertain significance (2); Likely benign (1). Last evaluated 2026-10-15.

Conditions:
Treacher Collins syndrome 1 (TCS1). Also called: TCOF1-Related Treacher Collins Syndrome. Identifiers: Orphanet 861, MedGen CN315775, MONDO:0007944, OMIM 154500.

Allele frequency attached by ClinVar (database versions not stated): gnomAD exomes 0.00007 and 0.00009; TOPMed 0.00007; ExAC 0.00010; gnomAD 0.00013 and 0.00014; ESP Exome Variant Server 0.00015.
gnomAD v4.1: 124 of 1,614,042 alleles (0.0077%); highest among the groups gnomAD compares: Non-Finnish European, 0.0081%; no homozygotes.

Submissions (3):

GeneDx
Classification: Uncertain significance. Last evaluated: 2026-10-15. Review status: criteria provided, single submitter. Criteria: GeneDx Variant Classification Process June 2021. Collection method: clinical testing. Allele origin: germline.
Comment: In silico analysis supports that this missense variant has a deleterious effect on protein structure/function; Has not been previously published as pathogenic or benign to our knowledge

CeGaT Center for Human Genetics Tuebingen
Classification: Likely benign. Last evaluated: 2026-05-01. Review status: criteria provided, single submitter. Criteria: CeGaT Center For Human Genetics Tuebingen Variant Classification Criteria Version 2. Collection method: clinical testing. Allele origin: germline. Affected: yes. Observed: 2 variant alleles.
Comment: TCOF1: BS2

Labcorp Genetics (formerly Invitae), Labcorp
Classification: Uncertain significance for Treacher Collins syndrome 1. Last evaluated: 2025-12-01. Review status: criteria provided, single submitter. Criteria: Invitae Variant Classification Sherloc (09022015). Collection method: clinical testing. Allele origin: germline.
Comment: This sequence change replaces arginine, which is basic and polar, with histidine, which is basic and polar, at codon 77 of the TCOF1 protein (p.Arg77His). This variant is present in population databases (rs145365677, gnomAD 0.03%). This variant has not been reported in the literature in individuals affected with TCOF1-related conditions. ClinVar contains an entry for this variant (Variation ID: 1378895). Invitae Evidence Modeling of protein sequence and biophysical properties (such as structural, functional, and spatial information, amino acid conservation, physicochemical variation, residue mobility, and thermodynamic stability) indicates that this missense variant is not expected to disrupt TCOF1 protein function with a negative predictive value of 80%. In summary, the available evidence is currently insufficient to determine the role of this variant in disease. Therefore, it has been classified as a Variant of Uncertain Significance.

NM_001371623.1(TCOF1):c.230G>A (p.Arg77His)

Gene: TCOF1 (treacle ribosome biogenesis factor 1; plus strand). Cytogenetic location: 5q32.
Variant type: single nucleotide variant.
Coding change: c.230G>A on transcript NM_001371623.1 (MANE Select); coding-DNA position 230, G replaced by A.
Protein change: p.Arg77His; replaces arginine 77 with histidine.
Molecular consequence: missense variant.
Genome position (GRCh38, 1-based): chr5:150,364,178, G>A. VCF-style: chr5-150364178-G-A. GRCh37 (hg19) VCF-style: chr5-149743741-G-A.
Other names: c.230G>A, p.Arg77His (NM_000356.4, NM_001008657.3, NM_001135243.2 and 3 more transcripts); c.230G>A (NM_001135243.1); short protein forms R77H.
Identifiers: ClinVar variation 1378895 (VCV001378895.21), dbSNP rs145365677, ClinGen allele CA3510497.